The following is an entry in ClinVar:

ClinVar aggregate classification (germline): Conflicting classifications of pathogenicity. Review status: criteria provided, conflicting classifications (1 of 4 stars). 7 submissions from 7 submitters: Uncertain significance (2); Benign (2); Likely benign (2). 1 of the submissions does not count toward it. Last evaluated 2025-12-29.

Conditions:
Hereditary cancer-predisposing syndrome. Also called: Neoplastic Syndromes, Hereditary; Hereditary Cancer Syndrome; Hereditary neoplastic syndrome; Tumor predisposition. Identifiers: Orphanet 140162, MedGen C0027672, MeSH D009386, MONDO:0015356.
Hereditary breast ovarian cancer syndrome. Also called: Hereditary breast and ovarian cancer syndrome; Hereditary breast and/or ovarian cancer syndrome; BRCA1- and BRCA2-Associated Hereditary Breast and Ovarian Cancer; Hereditary breast and ovarian cancer; Breast and ovarian cancer; Hereditary breast and ovarian cancer syndrome (HBOC). Identifiers: Orphanet 145, MedGen C0677776, MeSH D061325, MONDO:0003582. Disease mechanism: loss of function.
Breast-ovarian cancer, familial, susceptibility to, 2 (BROVCA2). Also called: BRCA2 Hereditary Breast and Ovarian Cancer. Identifiers: Orphanet 145, MedGen C2675520, MONDO:0012933, OMIM 612555. Disease mechanism: loss of function.

Allele frequency attached by ClinVar (database versions not stated): gnomAD exomes 0.00004 and 0.00005; ExAC 0.00006.
gnomAD v4.1: 28 of 1,612,898 alleles (0.0017%); highest among the groups gnomAD compares: South Asian, 0.03%; no homozygotes.

Submissions (7):

Center for Genomic Medicine, Rigshospitalet, Copenhagen University Hospital
Classification: Likely benign. Last evaluated: 2025-12-29. Review status: criteria provided, single submitter. Criteria: ACMG Guidelines, 2015. Collection method: clinical testing. Allele origin: germline.

Labcorp Genetics (formerly Invitae), Labcorp
Classification: Benign for Hereditary breast ovarian cancer syndrome. Last evaluated: 2025-11-10. Review status: criteria provided, single submitter. Criteria: Invitae Variant Classification Sherloc (09022015). Collection method: clinical testing. Allele origin: germline.

Ambry Genetics
Classification: Benign for Hereditary cancer-predisposing syndrome. Last evaluated: 2024-02-08. Review status: criteria provided, single submitter. Criteria: Ambry Variant Classification Scheme 2023. Collection method: clinical testing. Allele origin: germline.

University of Washington Department of Laboratory Medicine, University of Washington
Classification: Likely benign for Hereditary cancer-predisposing syndrome. Last evaluated: 2023-03-23. Review status: criteria provided, single submitter. Criteria: Dines et al. (Genet Med. 2020). Collection method: curation. Allele origin: germline.
Comment: Missense variant in a coldspot region where missense variants are very unlikely to be pathogenic (PMID:31911673).

BRCA2 exon 10 coldspot. Reclassification based on statistical prior probability.

Quest Diagnostics Nichols Institute San Juan Capistrano
Classification: Uncertain significance. Last evaluated: 2021-04-07. Review status: criteria provided, single submitter. Criteria: Quest Diagnostics criteria. Collection method: clinical testing. Allele origin: unknown.

Color Diagnostics, LLC DBA Color Health
Classification: Uncertain significance for Hereditary cancer-predisposing syndrome. Last evaluated: 2019-06-17. Review status: criteria provided, single submitter. Criteria: ACMG Guidelines, 2015. Collection method: clinical testing. Allele origin: germline.

BRCAlab, Lund University
Classification: Uncertain significance for Breast-ovarian cancer, familial, susceptibility to, 2. Last evaluated: 2020-03-02. Review status: no assertion criteria provided. Collection method: clinical testing. Allele origin: germline. Affected: yes. Not counted in ClinVar's aggregate classification.

Literature cited by the submitters: PubMed 33773534 (cited by Quest Diagnostics Nichols Institute San Juan Capistrano); PubMed 22486713 (cited by Quest Diagnostics Nichols Institute San Juan Capistrano).

NM_000059.4(BRCA2):c.1070A>C (p.Glu357Ala)

Gene: BRCA2 (BRCA2 DNA repair associated; plus strand). Cytogenetic location: 13q13.1.
Variant type: single nucleotide variant.
Coding change: c.1070A>C on transcript NM_000059.4 (MANE Select); coding-DNA position 1070, A replaced by C.
Protein change: p.Glu357Ala; replaces glutamic acid 357 with alanine.
Molecular consequence: missense variant.
Genome position (GRCh38, 1-based): chr13:32,332,548, A>C. VCF-style: chr13-32332548-A-C. GRCh37 (hg19) VCF-style: chr13-32906685-A-C.
Other names: short protein forms E357A.
Identifiers: ClinVar variation 140962 (VCV000140962.20), dbSNP rs587781399, ClinGen allele CA010740.